The following is an entry in ClinVar:

ClinVar aggregate classification (germline): Likely pathogenic. Review status: criteria provided, multiple submitters, no conflicts (2 of 4 stars). 2 submissions from 2 submitters: Likely pathogenic (2). Last evaluated 2024-06-07.

Conditions:
Methylmalonic aciduria due to methylmalonyl-CoA mutase deficiency (MAMM). Also called: Methylmalonic aciduria, mut type. Identifiers: Orphanet 27, MedGen C1855114, MONDO:0009612, OMIM 251000.
Methylmalonic aciduria due to complete methylmalonyl-CoA mutase deficiency.

Submissions (2):

Natera, Inc.
Classification: Likely pathogenic for Methylmalonic aciduria due to complete methylmalonyl-CoA mutase deficiency. Last evaluated: 2024-06-07. Review status: criteria provided, single submitter. Criteria: Natera Variant Classification Schema (03/2026). Collection method: clinical testing. Allele origin: germline.
Comment: The c.441T>A variant in MMUT is a missense variant predicted to cause substitution of aspartic acid to glutamic acid at amino acid 147. This variant is rare in the general population with a frequency below the threshold expected for the associated phenotype(s). This variant has been observed in one or more individuals affected with the associated recessive disease, as either homozygous or compound heterozygous with a second variant (PMID: 37316190). Computational prediction algorithms indicate this variant is likely to affect gene or protein function. Given the available evidence, this variant is classified as Likely Pathogenic.

Juno Genomics, Hangzhou Juno Genomics, Inc
Classification: Likely pathogenic for Methylmalonic aciduria due to methylmalonyl-CoA mutase deficiency. Review status: criteria provided, single submitter. Criteria: ACMG Guidelines, 2015. Collection method: clinical testing. Allele origin: germline.
Comment: Absent from controls (or at extremely low frequency if recessive) in Genome Aggregation Database.;Multiple lines of computational evidence support a deleterious effect on the gene or gene product.;For recessive disorders, detected in trans with a pathogenic variant.

Literature cited by the submitters: PubMed 37316190 (cited by Natera, Inc.).

NM_000255.4(MMUT):c.441T>A (p.Asp147Glu)

Gene: MMUT (methylmalonyl-CoA mutase; minus strand). Cytogenetic location: 6p12.3.
Variant type: single nucleotide variant.
Coding change: c.441T>A on transcript NM_000255.4 (MANE Select); coding-DNA position 441, T replaced by A.
Protein change: p.Asp147Glu; replaces aspartic acid 147 with glutamic acid.
Molecular consequence: missense variant.
Genome position (GRCh38, 1-based): chr6:49,458,003, A>T on the plus strand (T>A on the coding strand, the complement: MMUT is on the minus strand). VCF-style: chr6-49458003-A-T. GRCh37 (hg19) VCF-style: chr6-49425716-A-T.
Other names: short protein forms D147E.
Identifiers: ClinVar variation 4818005 (VCV004818005.3).